The following is an entry in ClinVar:

NM_017617.5(NOTCH1):c.432C>T (p.Cys144=)

Gene: NOTCH1 (notch receptor 1; minus strand). Cytogenetic location: 9q34.3.
Variant type: single nucleotide variant.
Coding change: c.432C>T on transcript NM_017617.5 (MANE Select); coding-DNA position 432, C replaced by T.
Protein change: p.Cys144=; no amino-acid change (cysteine 144 retained).
Molecular consequence: synonymous variant.
Genome position (GRCh38, 1-based): chr9:136,523,160, G>A on the plus strand (C>T on the coding strand, the complement: NOTCH1 is on the minus strand). VCF-style: chr9-136523160-G-A. GRCh37 (hg19) VCF-style: chr9-139417612-G-A.
Other names: p.Cys144=; c.432C>T, p.Cys144= (LRG_1122t1).
Identifiers: ClinVar variation 241141 (VCV000241141.45), dbSNP rs373713957, ClinGen allele CA5342153.

ClinVar aggregate classification (germline): Benign/Likely benign. Review status: criteria provided, multiple submitters, no conflicts (2 of 4 stars). 14 submissions from 13 submitters: Benign (6); Likely benign (6). 2 of the submissions do not count toward it. Last evaluated 2026-06-01.

Conditions:
Familial thoracic aortic aneurysm and aortic dissection (TAAD). Also called: Thoracic aortic aneurysms and dissections. Identifiers: Orphanet 91387, MedGen C4707243, MONDO:0019625.
Adams-Oliver syndrome 5 (AOS5). Identifiers: Orphanet 974, MedGen C4014970, MONDO:0014459, OMIM 616028.
Aortic valve disease 1 (AOVD1). Identifiers: MedGen C3887892, MONDO:0024523, OMIM 109730.

Allele frequency attached by ClinVar (database versions not stated): ESP Exome Variant Server 0.00032; gnomAD 0.00034 and 0.00035; gnomAD exomes 0.00037 and 0.00048; TOPMed 0.00043; ExAC 0.00073.
gnomAD v4.1: 599 of 1,604,098 alleles (0.037%); highest among the groups gnomAD compares: Middle Eastern, 0.26%; 3 homozygotes.

Submissions (14):

CeGaT Center for Human Genetics Tuebingen
Classification: Likely benign. Last evaluated: 2026-06-01. Review status: criteria provided, single submitter. Criteria: CeGaT Center For Human Genetics Tuebingen Variant Classification Criteria Version 2. Collection method: clinical testing. Allele origin: germline. Affected: yes. Observed: 7 variant alleles.
Comment: NOTCH1: BP4, BP7

Labcorp Genetics (formerly Invitae), Labcorp
Classification: Benign for Adams-Oliver syndrome 5. Last evaluated: 2026-01-27. Review status: criteria provided, single submitter. Criteria: Invitae Variant Classification Sherloc (09022015). Collection method: clinical testing. Allele origin: germline.

ARUP Laboratories, Molecular Genetics and Genomics, ARUP Laboratories
Classification: Benign. Last evaluated: 2025-03-07. Review status: criteria provided, single submitter. Criteria: ARUP Molecular Germline Variant Investigation Process 2024. Collection method: clinical testing. Allele origin: germline.

Mayo Clinic Laboratories, Mayo Clinic
Classification: Likely benign. Last evaluated: 2025-02-17. Review status: criteria provided, single submitter. Criteria: ACMG Guidelines, 2015. Collection method: clinical testing. Allele origin: germline. Observed: 1 variant allele.
Comment: BP4, BP7

Laboratory of Genetics, Children's Clinical University Hospital Latvia
Classification: Likely benign. Last evaluated: 2025-02-16. Review status: criteria provided, single submitter. Criteria: ACMG Guidelines, 2015. Collection method: clinical testing. Allele origin: germline. Affected: yes.

Blueprint Genetics
Classification: Likely benign. Last evaluated: 2024-09-25. Review status: criteria provided, single submitter. Criteria: ACMG Guidelines, 2015. Collection method: clinical testing. Allele origin: germline.

Women's Health and Genetics/Laboratory Corporation of America, LabCorp
Classification: Benign. Last evaluated: 2024-01-15. Review status: criteria provided, single submitter. Criteria: LabCorp Variant Classification Summary - May 2015. Collection method: clinical testing. Allele origin: germline.

Genome-Nilou Lab
Classification: Benign for Adams-Oliver syndrome 5. Last evaluated: 2022-03-15. Review status: criteria provided, single submitter. Criteria: ACMG Guidelines, 2015. Collection method: clinical testing. Allele origin: germline. Affected: no.

Genome-Nilou Lab
Classification: Benign for Aortic valve disease 1. Last evaluated: 2022-03-15. Review status: criteria provided, single submitter. Criteria: ACMG Guidelines, 2015. Collection method: clinical testing. Allele origin: germline. Affected: no.

CHEO Genetics Diagnostic Laboratory, Children's Hospital of Eastern Ontario
Classification: Benign for Familial thoracic aortic aneurysm and aortic dissection. Last evaluated: 2018-10-23. Review status: criteria provided, single submitter. Criteria: ACMG Guidelines, 2015. Collection method: clinical testing. Allele origin: germline.

GeneDx
Classification: Likely benign. Last evaluated: 2017-12-07. Review status: criteria provided, single submitter. Criteria: GeneDx Variant Classification (06012015). Collection method: clinical testing. Allele origin: germline. Affected: yes.
Comment: This variant is considered likely benign or benign based on one or more of the following criteria: it is a conservative change, it occurs at a poorly conserved position in the protein, it is predicted to be benign by multiple in silico algorithms, and/or has population frequency not consistent with disease.

Ambry Genetics
Classification: Likely benign for Familial thoracic aortic aneurysm and aortic dissection. Last evaluated: 2016-01-21. Review status: criteria provided, single submitter. Criteria: Ambry Variant Classification Scheme 2023. Collection method: clinical testing. Allele origin: germline.

Genome Diagnostics Laboratory, Amsterdam University Medical Center
Classification: Likely benign. Review status: no assertion criteria provided. Collection method: clinical testing. Allele origin: germline. Affected: yes. Study: VKGL Data-share Consensus. Not counted in ClinVar's aggregate classification.

Laboratory of Diagnostic Genome Analysis, Leiden University Medical Center (LUMC)
Classification: Likely benign. Review status: no assertion criteria provided. Collection method: clinical testing. Allele origin: germline. Affected: yes. Study: VKGL Data-share Consensus. Not counted in ClinVar's aggregate classification.